The following is an entry in ClinVar:

ClinVar aggregate classification (germline): Uncertain significance. Review status: criteria provided, multiple submitters, no conflicts (2 of 4 stars). 3 submissions from 3 submitters: Uncertain significance (3). Last evaluated 2025-08-20.

Conditions:
Hereditary cancer-predisposing syndrome. Also called: Tumor predisposition; Neoplastic Syndromes, Hereditary; Hereditary neoplastic syndrome; Hereditary Cancer Syndrome. Identifiers: Orphanet 140162, MedGen C0027672, MeSH D009386, MONDO:0015356.
Familial cancer of breast. Also called: hereditary breast carcinoma; BREAST CANCER, FAMILIAL; Hereditary breast cancer. Identifiers: Orphanet 227535, MedGen C0346153, MONDO:0016419, OMIM 114480. Disease mechanism: loss of function.

Submissions (3):

Ambry Genetics
Classification: Uncertain significance for Hereditary cancer-predisposing syndrome. Last evaluated: 2025-08-20. Review status: criteria provided, single submitter. Criteria: Ambry Variant Classification Scheme 2023. Collection method: clinical testing. Allele origin: germline.
Comment: The p.N344T variant (also known as c.1031A>C), located in coding exon 4 of the PALB2 gene, results from an A to C substitution at nucleotide position 1031. The asparagine at codon 344 is replaced by threonine, an amino acid with similar properties. This amino acid position is not well conserved in available vertebrate species. In addition, this alteration is predicted to be tolerated by in silico analysis. Since supporting evidence is limited at this time, the clinical significance of this alteration remains unclear.

Labcorp Genetics (formerly Invitae), Labcorp
Classification: Uncertain significance for Familial cancer of breast. Last evaluated: 2024-05-19. Review status: criteria provided, single submitter. Criteria: Invitae Variant Classification Sherloc (09022015). Collection method: clinical testing. Allele origin: germline.
Comment: This sequence change replaces asparagine, which is neutral and polar, with threonine, which is neutral and polar, at codon 344 of the PALB2 protein (p.Asn344Thr). This variant is not present in population databases (gnomAD no frequency). This variant has not been reported in the literature in individuals affected with PALB2-related conditions. ClinVar contains an entry for this variant (Variation ID: 630536). Advanced modeling of protein sequence and biophysical properties (such as structural, functional, and spatial information, amino acid conservation, physicochemical variation, residue mobility, and thermodynamic stability) performed at Invitae indicates that this missense variant is not expected to disrupt PALB2 protein function with a negative predictive value of 80%. In summary, the available evidence is currently insufficient to determine the role of this variant in disease. Therefore, it has been classified as a Variant of Uncertain Significance.

Color Diagnostics, LLC DBA Color Health
Classification: Uncertain significance for Hereditary cancer-predisposing syndrome. Last evaluated: 2023-12-05. Review status: criteria provided, single submitter. Criteria: ACMG Guidelines, 2015. Collection method: clinical testing. Allele origin: germline.
Comment: This missense variant replaces asparagine with threonine at codon 344 of the PALB2 protein. Computational prediction suggests that this variant may not impact protein structure and function (internally defined REVEL score threshold <= 0.5, PMID: 27666373). To our knowledge, functional studies have not been reported for this variant. This variant has not been reported in individuals affected with PALB2-related disorders in the literature. This variant has not been identified in the general population by the Genome Aggregation Database (gnomAD). The available evidence is insufficient to determine the role of this variant in disease conclusively. Therefore, this variant is classified as a Variant of Uncertain Significance.

NM_024675.4(PALB2):c.1031A>C (p.Asn344Thr)

Gene: PALB2 (partner and localizer of BRCA2; minus strand). Cytogenetic location: 16p12.2.
Variant type: single nucleotide variant.
Coding change: c.1031A>C on transcript NM_024675.4 (MANE Select); coding-DNA position 1031, A replaced by C.
Protein change: p.Asn344Thr; replaces asparagine 344 with threonine.
Molecular consequence: missense variant.
Genome position (GRCh38, 1-based): chr16:23,635,515, T>G on the plus strand (A>C on the coding strand, the complement: PALB2 is on the minus strand). VCF-style: chr16-23635515-T-G. GRCh37 (hg19) VCF-style: chr16-23646836-T-G.
Other names: short protein forms N344T.
Identifiers: ClinVar variation 630536 (VCV000630536.20), dbSNP rs1567221791, ClinGen allele CA395134301.